The following is an entry in ClinVar:

NM_001113378.2(FANCI):c.1583+142C>T

Gene: FANCI (FA complementation group I; plus strand). Cytogenetic location: 15q26.1.
Variant type: single nucleotide variant.
Coding change: c.1583+142C>T on transcript NM_001113378.2 (MANE Select); 142 bases into the intron after coding-DNA position 1583, C replaced by T.
Molecular consequence: intron variant.
Genome position (GRCh38, 1-based): chr15:89,281,977, C>T. VCF-style: chr15-89281977-C-T. GRCh37 (hg19) VCF-style: chr15-89825208-C-T.
Other names: c.1583+142C>T (NM_018193.3, NM_001376911.1); c.1304+142C>T (NM_001376910.1).
Identifiers: ClinVar variation 929723 (VCV000929723.1), dbSNP rs2053631453, ClinGen allele CA1139664142.

ClinVar aggregate classification (germline): Uncertain significance (0 of 4 stars; one submission).

Conditions:
Fanconi anemia complementation group I (FANCI). Also called: FANCI-Related Fanconi Anemia. Identifiers: Orphanet 84, MedGen C1836861, MONDO:0012186, OMIM 609053.

Submission:

Leiden Open Variation Database
Classification: Uncertain significance for Fanconi anemia complementation group I. Last evaluated: 2013-10-04. Review status: no assertion criteria provided. Collection method: curation. Allele origin: germline. Affected: yes.
Comment: Curator: Arleen D. Auerbach. Submitter to LOVD: Arleen D. Auerbach.

Literature cited by the submitters: PubMed 23613520.